The following is an entry in ClinVar:

ClinVar aggregate classification (germline): Likely benign (1 of 4 stars; one submission).

Allele frequency attached by ClinVar (database versions not stated): 1000 Genomes Project 0.00026; ESP Exome Variant Server 0.00019; 1000 Genomes Project 30x 0.00021; gnomAD exomes 0.00047; ExAC 0.00054; TOPMed 0.00042; gnomAD 0.00059.
gnomAD v4.1: 573 of 1,205,160 alleles (0.048%); highest among the groups gnomAD compares: Non-Finnish European, 0.05%; no homozygotes.

Submission:

CeGaT Center for Human Genetics Tuebingen
Classification: Likely benign. Last evaluated: 2022-11-01. Review status: criteria provided, single submitter. Criteria: CeGaT Center For Human Genetics Tuebingen Variant Classification Criteria Version 2. Collection method: clinical testing. Allele origin: germline. Affected: yes. Observed: 1 variant allele.
Comment: NXT2: BP4, BS2

NM_018698.5(NXT2):c.43G>C (p.Gly15Arg)

Gene: NXT2 (nuclear transport factor 2 like export factor 2; plus strand). Cytogenetic location: Xq23.
Variant type: single nucleotide variant.
Coding change: c.43G>C on transcript NM_018698.5; coding-DNA position 43, G replaced by C.
Protein change: p.Gly15Arg; replaces glycine 15 with arginine.
Molecular consequence: missense variant.
Genome position (GRCh38, 1-based): chrX:109,535,925, G>C. VCF-style: chrX-109535925-G-C. GRCh37 (hg19) VCF-style: chrX-108779154-G-C.
Other names: short protein forms G15R.
Identifiers: ClinVar variation 2661179 (VCV002661179.22), dbSNP rs142540133, ClinGen allele CA10490717.